The following is an entry in ClinVar:

ClinVar aggregate classification (germline): Uncertain significance (1 of 4 stars; one submission).

Submission:

Labcorp Genetics (formerly Invitae), Labcorp
Classification: Uncertain significance. Last evaluated: 2025-04-20. Review status: criteria provided, single submitter. Criteria: Invitae Variant Classification Sherloc (09022015). Collection method: clinical testing. Allele origin: germline.
Comment: This sequence change replaces arginine, which is basic and polar, with threonine, which is neutral and polar, at codon 51 of the MBTPS2 protein (p.Arg51Thr). This variant is not present in population databases (gnomAD no frequency). This variant has not been reported in the literature in individuals affected with MBTPS2-related conditions. Invitae Evidence Modeling of protein sequence and biophysical properties (such as structural, functional, and spatial information, amino acid conservation, physicochemical variation, residue mobility, and thermodynamic stability) has been performed for this missense variant. However, the output from this modeling did not meet the statistical confidence thresholds required to predict the impact of this variant on MBTPS2 protein function. In summary, the available evidence is currently insufficient to determine the role of this variant in disease. Therefore, it has been classified as a Variant of Uncertain Significance.

NM_015884.4(MBTPS2):c.152G>C (p.Arg51Thr)

Gene: MBTPS2 (membrane bound transcription factor peptidase, site 2; plus strand). Cytogenetic location: Xp22.12.
Variant type: single nucleotide variant.
Coding change: c.152G>C on transcript NM_015884.4 (MANE Select); coding-DNA position 152, G replaced by C.
Protein change: p.Arg51Thr; replaces arginine 51 with threonine.
Molecular consequence: missense variant.
Genome position (GRCh38, 1-based): chrX:21,843,246, G>C. VCF-style: chrX-21843246-G-C. GRCh37 (hg19) VCF-style: chrX-21861364-G-C.
Other names: short protein forms R51T.
Identifiers: ClinVar variation 4701566 (VCV004701566.1).
Genomic context (GRCh38, chrX:21,843,246, plus strand): 5'-AACATTCTTATGAAGACTGGCTGGAAAACAACGGACTGAGCATCTCCCCTTTCCACATAA[G>C]ATGGCAAACTGCTGTTTTCAATCGTGCCTTTTACAGTTGGGGACGGCGGAAAGCAAGGAT-3'
Protein context (NP_056968.1, residues 41-61): NGLSISPFHI[Arg51Thr]WQTAVFNRAF